The following is an entry in ClinVar:

ClinVar aggregate classification (germline): Uncertain significance. Review status: criteria provided, multiple submitters, no conflicts (2 of 4 stars). 2 submissions from 2 submitters: Uncertain significance (2). Last evaluated 2022-08-10.

Allele frequency attached by ClinVar (database versions not stated): gnomAD exomes below 0.00001; gnomAD 0.00001.

Submissions (2):

GeneDx
Classification: Uncertain significance. Last evaluated: 2022-08-10. Review status: criteria provided, single submitter. Criteria: GeneDx Variant Classification Process June 2021. Collection method: clinical testing. Allele origin: germline. Affected: yes.
Comment: Not observed at significant frequency in large population cohorts (gnomAD); In silico analysis supports that this missense variant does not alter protein structure/function; Has not been previously published as pathogenic or benign to our knowledge

Labcorp Genetics (formerly Invitae), Labcorp
Classification: Uncertain significance. Last evaluated: 2022-05-25. Review status: criteria provided, single submitter. Criteria: Invitae Variant Classification Sherloc (09022015). Collection method: clinical testing. Allele origin: germline.
Comment: Algorithms developed to predict the effect of missense changes on protein structure and function are either unavailable or do not agree on the potential impact of this missense change (SIFT: "Tolerated"; PolyPhen-2: "Possibly Damaging"; Align-GVGD: "Class C15"). This variant has not been reported in the literature in individuals affected with SLC30A10-related conditions. This variant is not present in population databases (gnomAD no frequency). This sequence change replaces proline, which is neutral and non-polar, with serine, which is neutral and polar, at codon 403 of the SLC30A10 protein (p.Pro403Ser). In summary, the available evidence is currently insufficient to determine the role of this variant in disease. Therefore, it has been classified as a Variant of Uncertain Significance.

NM_018713.3(SLC30A10):c.1207C>T (p.Pro403Ser)

Gene: SLC30A10 (solute carrier family 30 member 10; minus strand). Cytogenetic location: 1q41.
Variant type: single nucleotide variant.
Coding change: c.1207C>T on transcript NM_018713.3 (MANE Select); coding-DNA position 1207, C replaced by T.
Protein change: p.Pro403Ser; replaces proline 403 with serine.
Molecular consequence: missense variant. On other transcripts: non-coding transcript variant (2).
Genome position (GRCh38, 1-based): chr1:219,915,700, G>A on the plus strand (C>T on the coding strand, the complement: SLC30A10 is on the minus strand). VCF-style: chr1-219915700-G-A. GRCh37 (hg19) VCF-style: chr1-220089042-G-A.
Other names: c.1207C>T (NM_018713.2); c.1018C>T, p.Pro340Ser (NM_001376929.1); c.532C>T, p.Pro178Ser (NM_001416004.1, NM_001416005.1); short protein forms P403S, P340S, P178S.
Identifiers: ClinVar variation 1998693 (VCV001998693.5), dbSNP rs1659520346, ClinGen allele CA344731876.